The following is an entry in ClinVar:

ClinVar aggregate classification (germline): Likely pathogenic. Review status: criteria provided, multiple submitters, no conflicts (2 of 4 stars). 2 submissions from 2 submitters: Likely pathogenic (2). Last evaluated 2024-03-25.

Conditions:
Congenital lactic acidosis, Saguenay-Lac-Saint-Jean type (MC4DN5). Also called: CYTOCHROME c OXIDASE DEFICIENCY, FRENCH CANADIAN TYPE; COX DEFICIENCY, FRENCH CANADIAN TYPE; MITOCHONDRIAL COMPLEX IV DEFICIENCY, NUCLEAR TYPE 5. Identifiers: Orphanet 70472, MedGen C1857355, MONDO:0009069, OMIM 220111.

Submissions (3):

Fulgent Genetics
Classification: Likely pathogenic for Congenital lactic acidosis, Saguenay-Lac-Saint-Jean type. Last evaluated: 2024-03-25. Review status: criteria provided, single submitter. Criteria: ACMG Guidelines, 2015. Collection method: clinical testing. Allele origin: germline.

Women's Health and Genetics/Laboratory Corporation of America, LabCorp
Classification: Likely pathogenic for Congenital lactic acidosis, Saguenay-Lac-Saint-Jean type. Last evaluated: 2024-03-21. Review status: criteria provided, single submitter. Criteria: LabCorp Variant Classification Summary - May 2015. Collection method: clinical testing. Allele origin: germline.
Comment: Variant summary: LRPPRC c.3275+1G>T is located in a canonical splice-site and is predicted to affect mRNA splicing resulting in a significantly altered protein due to either exon skipping, shortening, or inclusion of intronic material. Several computational tools predict a significant impact on normal splicing: Four predict the variant weakens a 5' donor site. However, these predictions have yet to be confirmed by functional studies. The variant was absent in 251094 control chromosomes. To our knowledge, no occurrence of c.3275+1G>T in individuals affected with Leigh Syndrome, French-Canadian Type and no experimental evidence demonstrating its impact on protein function have been reported. No submitters have cited clinical-significance assessments for this variant to ClinVar. Based on the evidence outlined above, the variant was classified as likely pathogenic.

Dr. Peter K. Rogan Lab, Western University
No classification provided (evidence only). Condition: Thyroid cancer, nonmedullary, 1. Review status: no classification provided. Collection method: in vitro. Allele origin: not applicable. Functional consequence: retained intron. Not counted in ClinVar's aggregate classification.

NM_133259.4(LRPPRC):c.3275+1G>T

Gene: LRPPRC (leucine rich pentatricopeptide repeat containing; minus strand). Cytogenetic location: 2p21.
Variant type: single nucleotide variant.
Coding change: c.3275+1G>T on transcript NM_133259.4 (MANE Select); the canonical splice donor site of the intron after coding-DNA position 3275, G replaced by T.
Molecular consequence: splice donor variant.
Genome position (GRCh38, 1-based): chr2:43,912,431, C>A on the plus strand (G>T on the coding strand, the complement: LRPPRC is on the minus strand). VCF-style: chr2-43912431-C-A. GRCh37 (hg19) VCF-style: chr2-44139570-C-A.
Other names: NC_000002.11:g.44139570C>A.
Identifiers: ClinVar variation 3233825 (VCV003233825.4), dbSNP rs754215050, ClinGen allele CA346667050.
Genomic context (GRCh38, chr2:43,912,431, plus strand): 5'-GGCTAATGGCAGCCAATATTCTTTTTTAAACAAGAGGTTTAATAAATGGACTAACACTTA[C>A]AATGCTTTCACTTCCATTGCTTGTGTAAAATAATCTTCTGACATCAGTAATTTAATGAGA-3'